The following is an entry in ClinVar:

NM_017780.4(CHD7):c.1705del (p.Asp569fs)

Genes: CHD7 (chromodomain helicase DNA binding protein 7; plus strand), LOC126860403 (CDK7 strongly-dependent group 2 enhancer GRCh37_chr8:61693034-61694233; plus strand). Cytogenetic location: 8q12.2.
Variant type: Deletion.
Coding change: c.1705del on transcript NM_017780.4 (MANE Select); coding-DNA position 1705, one base deleted (G; older notation c.1705delG).
Protein change: p.Asp569fs; shifts the reading frame from aspartic acid 569.
Molecular consequence: frameshift variant.
Genome position (GRCh38, 1-based): chr8:60,781,039, G deleted; the last of 2 consecutive G bases (chr8:60,781,038-60,781,039); deleting either gives the same sequence. VCF-style (leftmost placement, unchanged base first): chr8-60781037-CG-C. GRCh37 (hg19) VCF-style: chr8-61693596-CG-C.
Other names: c.1705del, p.Asp569fs (NM_001316690.1); short protein forms D569fs.
Identifiers: ClinVar variation 3726012 (VCV003726012.2).

ClinVar aggregate classification (germline): Pathogenic (1 of 4 stars; one submission).

Conditions:
CHARGE syndrome (CHARGE). Also called: Hittner Hirsch Kreh syndrome; CHARGE ASSOCIATION--COLOBOMA, HEART ANOMALY, CHOANAL ATRESIA, RETARDATION, GENITAL AND EAR ANOMALIES; Coloboma, heart anomaly, choanal atresia, retardation, genital and ear anomalies; CHARGE association; Hall-Hittner syndrome. Identifiers: Orphanet 138, MedGen C0265354, MONDO:0008965.

Submission:

Labcorp Genetics (formerly Invitae), Labcorp
Classification: Pathogenic for CHARGE syndrome. Last evaluated: 2024-11-29. Review status: criteria provided, single submitter. Criteria: Invitae Variant Classification Sherloc (09022015). Collection method: clinical testing. Allele origin: germline.
Comment: This sequence change creates a premature translational stop signal (p.Asp569Ilefs*2) in the CHD7 gene. It is expected to result in an absent or disrupted protein product. Loss-of-function variants in CHD7 are known to be pathogenic (PMID: 22461308, 25077900). This variant is not present in population databases (gnomAD no frequency). This variant has not been reported in the literature in individuals affected with CHD7-related conditions. For these reasons, this variant has been classified as Pathogenic.

Literature cited by the submitters: PubMed 22461308; PubMed 25077900.